The following is an entry in ClinVar:

ClinVar aggregate classification (germline): Uncertain significance. Review status: criteria provided, multiple submitters, no conflicts (2 of 4 stars). 3 submissions from 3 submitters: Uncertain significance (3). Last evaluated 2025-12-26.

Conditions:
Bethlem myopathy 1A. Also called: Bethlem Muscular Dystrophy; MYOPATHY, BENIGN CONGENITAL, WITH CONTRACTURES; Bethlem myopathy 1. Identifiers: Orphanet 610, MedGen CN029274, MONDO:0024530, OMIM 158810.

Allele frequency attached by ClinVar (database versions not stated): gnomAD exomes 0.00001; TOPMed 0.00008; gnomAD 0.00010; 1000 Genomes Project 30x 0.00016; 1000 Genomes Project 0.00020.
gnomAD v4.1: 29 of 1,557,252 alleles (0.0019%); highest among the groups gnomAD compares: African/African-American, 0.032%; no homozygotes.

Submissions (3):

Greenwood Genetic Center Diagnostic Laboratories, Greenwood Genetic Center
Classification: Uncertain significance. Last evaluated: 2025-12-26. Review status: criteria provided, single submitter. Criteria: ACMG Guidelines, 2015. Collection method: clinical testing. Allele origin: germline. Affected: yes.
Comment: PM2, BP4

Labcorp Genetics (formerly Invitae), Labcorp
Classification: Uncertain significance for Bethlem myopathy 1A. Last evaluated: 2025-12-01. Review status: criteria provided, single submitter. Criteria: Invitae Variant Classification Sherloc (09022015). Collection method: clinical testing. Allele origin: germline.
Comment: This sequence change falls in intron 15 of the COL6A2 gene. It does not directly change the encoded amino acid sequence of the COL6A2 protein. It affects a nucleotide within the consensus splice site. This variant is present in population databases (rs201007156, gnomAD 0.02%). This variant has not been reported in the literature in individuals affected with COL6A2-related conditions. ClinVar contains an entry for this variant (Variation ID: 945496). Variants that disrupt the consensus splice site are a relatively common cause of aberrant splicing (PMID: 17576681, 9536098). Algorithms developed to predict the effect of sequence changes on RNA splicing suggest that this variant is not likely to affect RNA splicing. In summary, the available evidence is currently insufficient to determine the role of this variant in disease. Therefore, it has been classified as a Variant of Uncertain Significance.

Breakthrough Genomics
Classification: Uncertain significance. Review status: criteria provided, single submitter. Criteria: ACMG Guidelines, 2015. Collection method: not provided. Allele origin: germline. Inheritance: Autosomal dominant inheritance. Affected: yes.

Literature cited by the submitters: PubMed 17576681 (cited by Labcorp Genetics (formerly Invitae), Labcorp); PubMed 9536098 (cited by Labcorp Genetics (formerly Invitae), Labcorp).

NM_001849.4(COL6A2):c.1332+3G>A

Gene: COL6A2 (collagen type VI alpha 2 chain; plus strand). Cytogenetic location: 21q22.3.
Variant type: single nucleotide variant.
Coding change: c.1332+3G>A on transcript NM_001849.4 (MANE Select); 3 bases into the intron after coding-DNA position 1332, G replaced by A.
Molecular consequence: intron variant.
Genome position (GRCh38, 1-based): chr21:46,119,853, G>A. VCF-style: chr21-46119853-G-A. GRCh37 (hg19) VCF-style: chr21-47539767-G-A.
Other names: c.1332+3G>A (NM_058175.3, NM_058174.3).
Identifiers: ClinVar variation 945496 (VCV000945496.10), dbSNP rs201007156, ClinGen allele CA321966068.
Genomic context (GRCh38, chr21:46,119,853, plus strand): 5'-CAGGGGAGACCCCGGCACCAAGGGCAGCCCAGGCAGCGATGGCCCCAAGGGGGAGAAGGT[G>A]AGTCCTCGTGTGGAGGCAGCCCAGGGTCTCACTGTGGTGCCCATGGGCCCTGCTGACGAG-3'